The following is an entry in ClinVar:

NM_000264.5(PTCH1):c.866A>G (p.His289Arg)

Gene: PTCH1 (patched 1; minus strand). Cytogenetic location: 9q22.32.
Variant type: single nucleotide variant.
Coding change: c.866A>G on transcript NM_000264.5 (MANE Select); coding-DNA position 866, A replaced by G.
Protein change: p.His289Arg; replaces histidine 289 with arginine.
Molecular consequence: missense variant. On other transcripts: non-coding transcript variant (1).
Genome position (GRCh38, 1-based): chr9:95,480,469, T>C on the plus strand (A>G on the coding strand, the complement: PTCH1 is on the minus strand). VCF-style: chr9-95480469-T-C. GRCh37 (hg19) VCF-style: chr9-98242751-T-C.
Other names: c.668A>G, p.His223Arg (NM_001083602.3); c.863A>G, p.His288Arg (NM_001083603.3); c.413A>G, p.His138Arg (NM_001083604.3, NM_001083605.3, NM_001083606.3 and 1 more transcripts); c.866A>G, p.His289Arg (NM_001354918.2); short protein forms H289R, H138R, H288R, H223R.
Identifiers: ClinVar variation 1938370 (VCV001938370.9), dbSNP rs1221172962, ClinGen allele CA374113958.
Genomic context (GRCh38, chr9:95,480,469, plus strand): 5'-GGGGCTGTGGCGGGGCAGTCTGGATCGGCCGGATTGAGGCAGGGGCGGTCCATGTAACCA[T>C]GACCAACCTCAGCCTTATTCAGCATTTCCTCCCAGCTGTCCACTTGATAGTTTATTTTCT-3'
Protein context (NP_000255.2, residues 279-299): EEMLNKAEVG[His289Arg]GYMDRPCLNP

ClinVar aggregate classification (germline): Conflicting classifications of pathogenicity. Review status: criteria provided, conflicting classifications (1 of 4 stars). 3 submissions from 3 submitters: Uncertain significance (2); Likely benign (1). Last evaluated 2025-12-07.

Conditions:
Gorlin syndrome. Also called: Nevoid Basal Cell Carcinoma Syndrome; Basal cell nevus syndrome. Identifiers: Orphanet 377, MedGen C0004779, MONDO:0007187.
Hereditary cancer-predisposing syndrome. Also called: Neoplastic Syndromes, Hereditary; Hereditary neoplastic syndrome; Tumor predisposition; Hereditary Cancer Syndrome. Identifiers: Orphanet 140162, MedGen C0027672, MeSH D009386, MONDO:0015356.

Allele frequency attached by ClinVar (database versions not stated): gnomAD exomes below 0.00001; gnomAD 0.00001.
gnomAD v4.1: 4 of 1,612,490 alleles (0.00025%); highest among the groups gnomAD compares: East Asian, 0.0022%; no homozygotes.

Submissions (3):

Ambry Genetics
Classification: Uncertain significance for Hereditary cancer-predisposing syndrome. Last evaluated: 2025-12-07. Review status: criteria provided, single submitter. Criteria: Ambry Variant Classification Scheme 2023. Collection method: clinical testing. Allele origin: germline.
Comment: The p.H289R variant (also known as c.866A>G), located in coding exon 6 of the PTCH1 gene, results from an A to G substitution at nucleotide position 866. The histidine at codon 289 is replaced by arginine, an amino acid with highly similar properties. This amino acid position is conserved. In addition, the in silico prediction for this alteration is inconclusive. Since supporting evidence is limited at this time, the clinical significance of this alteration remains unclear.

Labcorp Genetics (formerly Invitae), Labcorp
Classification: Likely benign for Gorlin syndrome. Last evaluated: 2024-04-10. Review status: criteria provided, single submitter. Criteria: Invitae Variant Classification Sherloc (09022015). Collection method: clinical testing. Allele origin: germline.

GeneDx
Classification: Uncertain significance. Last evaluated: 2022-09-06. Review status: criteria provided, single submitter. Criteria: GeneDx Variant Classification Process June 2021. Collection method: clinical testing. Allele origin: germline. Affected: yes.
Comment: Not observed at significant frequency in large population cohorts (gnomAD); In silico analysis supports that this missense variant does not alter protein structure/function; Has not been previously published as pathogenic or benign to our knowledge; This variant is associated with the following publications: (PMID: 8906794)